The following is an entry in ClinVar:

NM_000436.4(OXCT1):c.437G>A (p.Arg146His)

Gene: OXCT1 (3-oxoacid CoA-transferase 1; minus strand). Cytogenetic location: 5p13.1.
Variant type: single nucleotide variant.
Coding change: c.437G>A on transcript NM_000436.4 (MANE Select); coding-DNA position 437, G replaced by A.
Protein change: p.Arg146His; replaces arginine 146 with histidine.
Molecular consequence: missense variant. On other transcripts: non-coding transcript variant (1).
Genome position (GRCh38, 1-based): chr5:41,850,157, C>T on the plus strand (G>A on the coding strand, the complement: OXCT1 is on the minus strand). VCF-style: chr5-41850157-C-T. GRCh37 (hg19) VCF-style: chr5-41850259-C-T.
Other names: c.458G>A, p.Arg153His (NM_001364299.2, NM_001364300.2); c.437G>A, p.Arg146His (NM_001364301.2, NM_001364302.2); short protein forms R146H, R153H.
Identifiers: ClinVar variation 3775803 (VCV003775803.2).

ClinVar aggregate classification (germline): Uncertain significance (1 of 4 stars; one submission).

Conditions:
Succinyl-CoA acetoacetate transferase deficiency (SCOTD). Also called: 3-Oxoacid CoA Transferase Deficiency; KETOACIDOSIS DUE TO SCOT DEFICIENCY; SCOT DEFICIENCY; SUCCINYL-CoA:3-KETOACID CoA-TRANSFERASE DEFICIENCY; Succinyl CoA:3-oxoacid CoA transferase deficiency. Identifiers: Orphanet 832, MedGen C0342792, MONDO:0009492, OMIM 245050.

gnomAD v4.1: 8 of 1,613,580 alleles (0.0005%); highest among the groups gnomAD compares: East Asian, 0.0022%; no homozygotes.

Submission:

3billion
Classification: Uncertain significance for Succinyl-CoA acetoacetate transferase deficiency. Last evaluated: 2025-07-15. Review status: criteria provided, single submitter. Criteria: ACMG Guidelines, 2015. Collection method: clinical testing. Allele origin: germline. Affected: yes.
Comment: The variant is observed at an extremely low frequency in the gnomAD v4.1.0 dataset (total allele frequency: <0.001%). Predicted Consequence/Location: Missense variant In silico tool predictions suggest damaging effect of the variant on gene or gene product [REVEL: 0.93 (>=0.6, sensitivity 0.68 and specificity 0.92); 3Cnet: 0.94 (> 0.75, sensitivity 0.96 and precision 0.92)]. The variant has been reported as of uncertain significance (ClinVar ID: VCV003775803; 3billion dataset). Therefore, this variant is classified as VUS according to the recommendation of ACMG/AMP guideline.